The following is an entry in ClinVar:

ClinVar aggregate classification (germline): Benign/Likely benign. Review status: criteria provided, multiple submitters, no conflicts (2 of 4 stars). 4 submissions from 4 submitters: Benign (2); Likely benign (1). 1 of the submissions does not count toward it. Last evaluated 2024-11-26.

Conditions:
NANOS1-related disorder. Also called: NANOS1-related condition.

Allele frequency attached by ClinVar (database versions not stated): gnomAD exomes 0.00069 and 0.00166; ExAC 0.00235; ESP Exome Variant Server 0.00722; gnomAD 0.00806 and 0.00864; TOPMed 0.00831; 1000 Genomes Project 0.00839; 1000 Genomes Project 30x 0.00874.
gnomAD v4.1: 2,231 of 1,528,668 alleles (0.15%); highest among the groups gnomAD compares: African/African-American, 2.7%; 23 homozygotes.

Submissions (4):

Blueprint Genetics
Classification: Likely benign. Last evaluated: 2024-11-26. Review status: criteria provided, single submitter. Criteria: ACMG Guidelines, 2015. Collection method: clinical testing. Allele origin: germline.

Labcorp Genetics (formerly Invitae), Labcorp
Classification: Benign. Last evaluated: 2018-06-01. Review status: criteria provided, single submitter. Criteria: Invitae Variant Classification Sherloc (09022015). Collection method: clinical testing. Allele origin: germline.

Breakthrough Genomics
Classification: Benign. Review status: criteria provided, single submitter. Criteria: ACMG Guidelines, 2015. Collection method: not provided. Allele origin: germline. Inheritance: Autosomal dominant inheritance. Affected: yes.

PreventionGenetics, part of Exact Sciences
Classification: Benign for NANOS1-related condition. Last evaluated: 2024-05-15. Review status: no assertion criteria provided. Collection method: clinical testing. Allele origin: germline. Not counted in ClinVar's aggregate classification.
Comment: This variant is classified as benign based on ACMG/AMP sequence variant interpretation guidelines (Richards et al. 2015 PMID: 25741868, with internal and published modifications).

NM_199461.4(NANOS1):c.747T>C (p.Cys249=)

Genes: NANOS1 (nanos C2HC-type zinc finger 1; plus strand), LOC130004822 (ATAC-STARR-seq lymphoblastoid silent region 2866; plus strand). Cytogenetic location: 10q26.11.
Variant type: single nucleotide variant.
Coding change: c.747T>C on transcript NM_199461.4 (MANE Select); coding-DNA position 747, T replaced by C.
Protein change: p.Cys249=; no amino-acid change (cysteine 249 retained).
Molecular consequence: synonymous variant.
Genome position (GRCh38, 1-based): chr10:119,030,548, T>C. VCF-style: chr10-119030548-T-C. GRCh37 (hg19) VCF-style: chr10-120790060-T-C.
Identifiers: ClinVar variation 768396 (VCV000768396.6), dbSNP rs115746118, ClinGen allele CA5712816.